The following is an entry in ClinVar:

NM_015072.5(TTLL5):c.74+3A>G

Gene: TTLL5 (tubulin tyrosine ligase like 5; plus strand). Cytogenetic location: 14q24.3.
Variant type: single nucleotide variant.
Coding change: c.74+3A>G on transcript NM_015072.5 (MANE Select); 3 bases into the intron after coding-DNA position 74, A replaced by G.
Molecular consequence: intron variant.
Genome position (GRCh38, 1-based): chr14:75,663,226, A>G. VCF-style: chr14-75663226-A-G. GRCh37 (hg19) VCF-style: chr14-76129569-A-G.
Identifiers: ClinVar variation 964898 (VCV000964898.6), dbSNP rs758975249, ClinGen allele CA7278785.

ClinVar aggregate classification (germline): Uncertain significance. Review status: criteria provided, multiple submitters, no conflicts (2 of 4 stars). 2 submissions from 2 submitters: Uncertain significance (2). Last evaluated 2023-06-13.

Allele frequency attached by ClinVar (database versions not stated): gnomAD 0.00001; TOPMed 0.00001; gnomAD exomes 0.00002 and 0.00006; ExAC 0.00004.

Submissions (2):

Blueprint Genetics
Classification: Uncertain significance. Last evaluated: 2023-06-13. Review status: criteria provided, single submitter. Criteria: ACMG Guidelines, 2015. Collection method: clinical testing. Allele origin: germline.

Labcorp Genetics (formerly Invitae), Labcorp
Classification: Uncertain significance. Last evaluated: 2022-10-18. Review status: criteria provided, single submitter. Criteria: Invitae Variant Classification Sherloc (09022015). Collection method: clinical testing. Allele origin: germline.
Comment: This sequence change falls in intron 2 of the TTLL5 gene. It does not directly change the encoded amino acid sequence of the TTLL5 protein. It affects a nucleotide within the consensus splice site. In summary, the available evidence is currently insufficient to determine the role of this variant in disease. Therefore, it has been classified as a Variant of Uncertain Significance. Variants that disrupt the consensus splice site are a relatively common cause of aberrant splicing (PMID: 17576681, 9536098). Algorithms developed to predict the effect of sequence changes on RNA splicing suggest that this variant is not likely to affect RNA splicing. ClinVar contains an entry for this variant (Variation ID: 964898). This variant has not been reported in the literature in individuals affected with TTLL5-related conditions. This variant is present in population databases (rs758975249, gnomAD 0.006%).

Literature cited by the submitters: PubMed 17576681 (cited by Labcorp Genetics (formerly Invitae), Labcorp); PubMed 9536098 (cited by Labcorp Genetics (formerly Invitae), Labcorp).